The following is an entry in ClinVar:

NM_000330.4(RS1):c.326G>C (p.Gly109Ala)

Genes: CDKL5 (cyclin dependent kinase like 5; plus strand), RS1 (retinoschisin 1; minus strand). Cytogenetic location: Xp22.13.
Variant type: single nucleotide variant.
Coding change: c.326G>C on transcript NM_000330.4 (MANE Select); coding-DNA position 326, G replaced by C.
Protein change: p.Gly109Ala; replaces glycine 109 with alanine.
Molecular consequence: missense variant. On other transcripts: intron variant (2).
Genome position (GRCh38, 1-based): chrX:18,647,191, C>G on the plus strand (G>C on the coding strand, the complement: RS1 is on the minus strand). VCF-style: chrX-18647191-C-G. GRCh37 (hg19) VCF-style: chrX-18665311-C-G.
Other names: c.2797+1101C>G (NM_003159.3, NM_001037343.2); short protein forms G109A.
Identifiers: ClinVar variation 1503381 (VCV001503381.9), dbSNP rs281865345, ClinGen allele CA412372640.

ClinVar aggregate classification (germline): Pathogenic/Likely pathogenic. Review status: criteria provided, multiple submitters, no conflicts (2 of 4 stars). 3 submissions from 3 submitters: Pathogenic (1); Likely pathogenic (2). Last evaluated 2026-01-06.

Conditions:
Retinal dystrophy. Also called: Inherited retinal dystrophy. Identifiers: Orphanet 71862, MedGen C0854723, MeSH D058499, MONDO:0019118, HP:0000556.
Retinal disorder. Also called: Retinopathies; Retinal Diseases; Retinopathy; Retinal disorders. Identifiers: MedGen C0035309, MONDO:0005283, HP:0000488.

Submissions (3):

Genetics Laboratory, Great Ormond Street Hospital NHS Foundation Trust, North Thames Genomic Laboratory Hub
Classification: Likely pathogenic for Retinal disorders. Last evaluated: 2026-01-06. Review status: criteria provided, single submitter. Criteria: ACGS Best Practice Guidelines for Variant Classification in Rare Disease 2024 v1.2. Collection method: clinical testing. Allele origin: germline. Affected: yes.
Comment: PS4_moderate, PM2_moderate, PP3_supporting, PM5_moderate, PP4_supporting

Labcorp Genetics (formerly Invitae), Labcorp
Classification: Pathogenic. Last evaluated: 2025-08-21. Review status: criteria provided, single submitter. Criteria: Invitae Variant Classification Sherloc (09022015). Collection method: clinical testing. Allele origin: germline.
Comment: This sequence change replaces glycine, which is neutral and non-polar, with alanine, which is neutral and non-polar, at codon 109 of the RS1 protein (p.Gly109Ala). This variant also falls at the last nucleotide of exon 4, which is part of the consensus splice site for this exon. This variant is not present in population databases (gnomAD no frequency). This missense change has been observed in individual(s) with retinoschisis (PMID: 28348004, 30652005, 34624300; internal data). ClinVar contains an entry for this variant (Variation ID: 1503381). An algorithm developed to predict the effect of missense changes on protein structure and function (PolyPhen-2) suggests that this variant is likely to be disruptive. Variants that disrupt the consensus splice site are a relatively common cause of aberrant splicing (PMID: 17576681, 9536098). For these reasons, this variant has been classified as Pathogenic.

Institute of Human Genetics, Univ. Regensburg, Univ. Regensburg
Classification: Likely pathogenic for Retinal dystrophy. Last evaluated: 2017-01-01. Review status: criteria provided, single submitter. Criteria: ACMG Guidelines, 2015. Collection method: clinical testing. Allele origin: germline. Affected: yes.

Literature cited by the submitters: PubMed 28348004 (cited by Labcorp Genetics (formerly Invitae), Labcorp and Institute of Human Genetics, Univ. Regensburg, Univ. Regensburg); PubMed 30652005 (cited by Labcorp Genetics (formerly Invitae), Labcorp and Institute of Human Genetics, Univ. Regensburg, Univ. Regensburg); PubMed 34624300 (cited by Labcorp Genetics (formerly Invitae), Labcorp and Institute of Human Genetics, Univ. Regensburg, Univ. Regensburg); PubMed 17576681 (cited by Labcorp Genetics (formerly Invitae), Labcorp); PubMed 9536098 (cited by Labcorp Genetics (formerly Invitae), Labcorp); PubMed 34822951 (cited by Institute of Human Genetics, Univ. Regensburg, Univ. Regensburg).